The following is an entry in ClinVar:

NM_015559.3(SETBP1):c.665G>A (p.Trp222Ter)

Gene: SETBP1 (SET binding protein 1; plus strand). Cytogenetic location: 18q12.3.
Variant type: single nucleotide variant.
Coding change: c.665G>A on transcript NM_015559.3 (MANE Select); coding-DNA position 665, G replaced by A.
Protein change: p.Trp222Ter; replaces tryptophan 222 with a stop codon.
Molecular consequence: nonsense.
Genome position (GRCh38, 1-based): chr18:44,950,005, G>A. VCF-style: chr18-44950005-G-A. GRCh37 (hg19) VCF-style: chr18-42529970-G-A.
Other names: c.665G>A, p.Trp222Ter (NM_001379141.1, NM_001379142.1, NM_001410862.1); short protein forms W222*.
Identifiers: ClinVar variation 4888141 (VCV004888141.1).

ClinVar aggregate classification (germline): Pathogenic (1 of 4 stars; one submission).

Submission:

GeneDx
Classification: Pathogenic. Last evaluated: 2026-02-14. Review status: criteria provided, single submitter. Criteria: GeneDx Variant Classification Process June 2021. Collection method: clinical testing. Allele origin: germline.
Comment: Nonsense variant predicted to result in protein truncation or nonsense mediated decay in a gene for which loss of function is a known mechanism of disease; Not observed at significant frequency in large population cohorts (gnomAD); Has not been previously published as pathogenic or benign to our knowledge